The following is an entry in ClinVar:

ClinVar aggregate classification (germline): Uncertain significance (1 of 4 stars; one submission).

Conditions:
Spermatogenic failure 18. Identifiers: MedGen C4539783, MONDO:0054615, OMIM 617576.
Ciliary dyskinesia, primary, 37 (CILD37). Also called: CILIARY DYSKINESIA, PRIMARY, 37, WITH OR WITHOUT SITUS INVERSUS. Identifiers: MedGen C4539798, MONDO:0033204, OMIM 617577.

Allele frequency attached by ClinVar (database versions not stated): gnomAD exomes below 0.00001 and 0.00001; ExAC 0.00001; gnomAD 0.00001; TOPMed 0.00001.
gnomAD v4.1: 16 of 1,611,320 alleles (0.00099%); highest among the groups gnomAD compares: Middle Eastern, 0.049%; no homozygotes.

Submission:

Labcorp Genetics (formerly Invitae), Labcorp
Classification: Uncertain significance for Ciliary dyskinesia, primary, 37; Spermatogenic failure 18. Last evaluated: 2022-06-13. Review status: criteria provided, single submitter. Criteria: Invitae Variant Classification Sherloc (09022015). Collection method: clinical testing. Allele origin: germline.
Comment: Algorithms developed to predict the effect of missense changes on protein structure and function are either unavailable or do not agree on the potential impact of this missense change (SIFT: "Deleterious"; PolyPhen-2: "Probably Damaging"; Align-GVGD: "Class C0"). ClinVar contains an entry for this variant (Variation ID: 544595). This variant has not been reported in the literature in individuals affected with DNAH1-related conditions. The frequency data for this variant in the population databases is considered unreliable, as metrics indicate poor data quality at this position in the gnomAD database. This sequence change replaces glutamic acid, which is acidic and polar, with lysine, which is basic and polar, at codon 3291 of the DNAH1 protein (p.Glu3291Lys). In summary, the available evidence is currently insufficient to determine the role of this variant in disease. Therefore, it has been classified as a Variant of Uncertain Significance.

NM_015512.5(DNAH1):c.9871G>A (p.Glu3291Lys)

Gene: DNAH1 (dynein axonemal heavy chain 1; plus strand). Cytogenetic location: 3p21.1.
Variant type: single nucleotide variant.
Coding change: c.9871G>A on transcript NM_015512.5 (MANE Select); coding-DNA position 9871, G replaced by A.
Protein change: p.Glu3291Lys; replaces glutamic acid 3291 with lysine.
Molecular consequence: missense variant.
Genome position (GRCh38, 1-based): chr3:52,391,308, G>A. VCF-style: chr3-52391308-G-A. GRCh37 (hg19) VCF-style: chr3-52425324-G-A.
Other names: short protein forms E3291K.
Identifiers: ClinVar variation 544595 (VCV000544595.5), dbSNP rs773925409, ClinGen allele CA2435635.